The following is an entry in ClinVar:

ClinVar aggregate classification (germline): Uncertain significance (1 of 4 stars; one submission).

Conditions:
Peroxisome biogenesis disorder. Identifiers: Orphanet 79189, MedGen C1832200, MONDO:0019234. Disease mechanism: loss of function.

Submission:

Labcorp Genetics (formerly Invitae), Labcorp
Classification: Uncertain significance for Peroxisome biogenesis disorder. Last evaluated: 2021-02-07. Review status: criteria provided, single submitter. Criteria: Invitae Variant Classification Sherloc (09022015). Collection method: clinical testing. Allele origin: germline.
Comment: This sequence change replaces aspartic acid with asparagine at codon 262 of the PEX16 protein (p.Asp262Asn). The aspartic acid residue is moderately conserved and there is a small physicochemical difference between aspartic acid and asparagine. This variant is not present in population databases (ExAC no frequency). This variant has not been reported in the literature in individuals with PEX16-related conditions. Algorithms developed to predict the effect of missense changes on protein structure and function are either unavailable or do not agree on the potential impact of this missense change (SIFT: "Deleterious"; PolyPhen-2: "Benign"; Align-GVGD: "Class C0"). In summary, the available evidence is currently insufficient to determine the role of this variant in disease. Therefore, it has been classified as a Variant of Uncertain Significance.

NM_004813.4(PEX16):c.784G>A (p.Asp262Asn)

Gene: PEX16 (peroxisomal biogenesis factor 16; minus strand). Cytogenetic location: 11p11.2.
Variant type: single nucleotide variant.
Coding change: c.784G>A on transcript NM_004813.4 (MANE Select); coding-DNA position 784, G replaced by A.
Protein change: p.Asp262Asn; replaces aspartic acid 262 with asparagine.
Molecular consequence: missense variant.
Genome position (GRCh38, 1-based): chr11:45,913,922, C>T on the plus strand (G>A on the coding strand, the complement: PEX16 is on the minus strand). VCF-style: chr11-45913922-C-T. GRCh37 (hg19) VCF-style: chr11-45935473-C-T.
Other names: c.784G>A, p.Asp262Asn (NM_057174.3); short protein forms D262N.
Identifiers: ClinVar variation 1480123 (VCV001480123.8), dbSNP rs2134692005, ClinGen allele CA380226337.